The following is an entry in ClinVar:

ClinVar aggregate classification (germline): Uncertain significance (1 of 4 stars; one submission).

Conditions:
Ovarian dysgenesis 7. Identifiers: MedGen C4748263, MONDO:0020857, OMIM 618117.

gnomAD v4.1: 1 of 1,614,158 alleles (0.000062%); highest among the groups gnomAD compares: African/African-American, 0.0013%; no homozygotes.

Submission:

Baylor Genetics
Classification: Uncertain significance for Ovarian dysgenesis 7. Last evaluated: 2019-07-31. Review status: criteria provided, single submitter. Criteria: ACMG Guidelines, 2015. Collection method: clinical testing. Allele origin: unknown. Affected: yes.
Comment: This variant was determined to be of uncertain significance according to ACMG Guidelines, 2015 [PMID:25741868].

NM_020191.4(MRPS22):c.16A>G (p.Thr6Ala)

Gene: MRPS22 (mitochondrial ribosomal protein S22; plus strand). Cytogenetic location: 3q23.
Variant type: single nucleotide variant.
Coding change: c.16A>G on transcript NM_020191.4 (MANE Select); coding-DNA position 16, A replaced by G.
Protein change: p.Thr6Ala; replaces threonine 6 with alanine.
Molecular consequence: missense variant.
Genome position (GRCh38, 1-based): chr3:139,344,042, A>G. VCF-style: chr3-139344042-A-G. GRCh37 (hg19) VCF-style: chr3-139062884-A-G.
Other names: c.16A>G, p.Thr6Ala (NM_001363893.1); short protein forms T6A.
Identifiers: ClinVar variation 1029742 (VCV001029742.1), dbSNP rs761146333, ClinGen allele CA83992499.